The following is an entry in ClinVar:

ClinVar aggregate classification (germline): Conflicting classifications of pathogenicity. Review status: criteria provided, conflicting classifications (1 of 4 stars). 15 submissions from 13 submitters: Uncertain significance (11); Benign (1); Likely benign (3). Last evaluated 2026-03-03.

Conditions:
DSP-related disorder. Also called: DSP-related condition; DSP-related disorders.
Cardiovascular phenotype. Identifiers: MedGen CN230736.
Arrhythmogenic cardiomyopathy with wooly hair and keratoderma. Also called: Dilated cardiomyopathy with woolly hair and keratoderma; Carvajal syndrome; PALMOPLANTAR KERATODERMA WITH LEFT VENTRICULAR CARDIOMYOPATHY AND WOOLLY HAIR; Arrhythmogenic cardiomyopathy with woolly hair and keratoderma. Identifiers: Orphanet 65282, MedGen C1854063, MONDO:0011581, OMIM 605676.
Arrhythmogenic right ventricular dysplasia 8 (ARVD8). Also called: Arrhythmogenic Right Ventricular Dysplasia/Cardiomyopathy 8; ARRHYTHMOGENIC RIGHT VENTRICULAR DYSPLASIA, FAMILIAL, 8; ARRHYTHMOGENIC RIGHT VENTRICULAR CARDIOMYOPATHY 8. Identifiers: MedGen C1843896, MONDO:0011831, OMIM 607450.
Cardiomyopathy (CMYO). Also called: Cardiomyopathies. Identifiers: Orphanet 167848, MedGen C0878544, MONDO:0004994, HP:0001638. Inheritance: Various modes of inheritance.
Lethal acantholytic epidermolysis bullosa (EBLA). Identifiers: Orphanet 158687, MedGen C1864826, MONDO:0012323, OMIM 609638.
Woolly hair-skin fragility syndrome (WHSF). Identifiers: Orphanet 293165, MedGen C1843292, MONDO:0957307, OMIM 620415.

Allele frequency attached by ClinVar (database versions not stated): ExAC 0.00007; ESP Exome Variant Server 0.00008; TOPMed 0.00010; gnomAD exomes 0.00012; 1000 Genomes Project 30x 0.00016; gnomAD 0.00016; 1000 Genomes Project 0.00020.
gnomAD v4.1: 223 of 1,612,036 alleles (0.014%); highest among the groups gnomAD compares: East Asian, 0.054%; no homozygotes.

Submissions (15):

PreventionGenetics, part of Exact Sciences
Classification: Uncertain significance for DSP-related condition. Last evaluated: 2026-03-03. Review status: criteria provided, single submitter. Criteria: ACMG Guidelines, 2015. Collection method: clinical testing. Allele origin: germline.
Comment: The DSP c.943C>T variant is predicted to result in the amino acid substitution p.Arg315Cys. This variant has been reported in multiple individuals with arrhythmogenic right ventricular dysplasia, dilated cardiomyopathy, Brugada syndrome, and sudden cardiac death (Bhonsale et al. 2015. PubMed ID: 25616645; Table S1, Walsh et al. 2016. PubMed ID: 27532257; Table S3, Lian et al. 2023. PubMed ID: 37461109; Zhang et al. 2016. PubMed ID: 27707468; Chen et al. 2018. PubMed ID: 29750433; Liang et al. 2021. PubMed ID: 33857019). However, several of these cases had co-occurrences with another DSP variant or with variants in other genes. In vitro and in vivo experimental studies using a double heterozygous DSP p.Arg315Cys and PKP2 IVS10-1G>C mouse model suggest this variant abrogates the interaction between DSP and CSN6 leading to the loss of CSN6 localization at cardiac cell junctions, ventricular depolarization delay, and reduced cardiac function (Liang et al. 2021. PubMed ID: 33857019). This variant is reported in 0.080% of alleles in individuals of East Asian descent in gnomAD. At this time, the clinical significance of this variant is uncertain due to the absence of conclusive functional and genetic evidence.

Labcorp Genetics (formerly Invitae), Labcorp
Classification: Benign for Arrhythmogenic cardiomyopathy with wooly hair and keratoderma; Arrhythmogenic right ventricular dysplasia 8. Last evaluated: 2026-01-19. Review status: criteria provided, single submitter. Criteria: Invitae Variant Classification Sherloc (09022015). Collection method: clinical testing. Allele origin: germline.

CeGaT Center for Human Genetics Tuebingen
Classification: Uncertain significance. Last evaluated: 2025-10-01. Review status: criteria provided, single submitter. Criteria: CeGaT Center For Human Genetics Tuebingen Variant Classification Criteria Version 2. Collection method: clinical testing. Allele origin: germline. Affected: yes. Observed: 2 variant alleles.

Women's Health and Genetics/Laboratory Corporation of America, LabCorp
Classification: Uncertain significance. Last evaluated: 2025-03-24. Review status: criteria provided, single submitter. Criteria: LabCorp Variant Classification Summary - May 2015. Collection method: clinical testing. Allele origin: germline.
Comment: Variant summary: DSP c.943C>T (p.Arg315Cys) results in a non-conservative amino acid change located in the Spectrin/alpha-actinin repeat (IPR018159) of the encoded protein sequence. Four of five in-silico tools predict a damaging effect of the variant on protein function. The variant allele was found at a frequency of 0.00012 in 250466 control chromosomes. The observed variant frequency is approximately 12 fold of the estimated maximal expected allele frequency for a pathogenic variant in DSP causing Arrhythmia phenotype (1e-05). c.943C>T has been reported in the literature in individuals affected with arrhythmogenic right ventricular dysplasia/cardiomyopathy (ARVD/C), dilated cardiomyopathy and Brugada syndrome (Bhonsale_2015, Chen_2018, Walsh_2017, Zhao_2016). These report(s) do not provide unequivocal conclusions about association of the variant with Arrhythmia. Co-occurrences with other pathogenic variant(s) have been reported (DSP c.6478C>T, p.Arg2160*; VCL c.1639C>T, p.Arg547*; SCN5A c.3823G>A, p.Asp1275Asn). To our knowledge, no experimental evidence demonstrating an impact on protein function has been reported. The following publications have been ascertained in the context of this evaluation (PMID: 24503780, 27532257, 27707468, 26585738, 25820315, 28301460, 25616645, 29750433, 29759408). ClinVar contains an entry for this variant (Variation ID: 44982). Based on the evidence outlined above, the variant was classified as VUS-possibly benign.

Molecular Diagnostic Laboratory for Inherited Cardiovascular Disease, Montreal Heart Institute
Classification: Uncertain significance for Cardiovascular phenotype. Last evaluated: 2025-02-17. Review status: criteria provided, single submitter. Criteria: ACMG Guidelines, 2015. Collection method: clinical testing. Allele origin: germline. Affected: yes.

Blueprint Genetics
Classification: Likely benign. Last evaluated: 2024-07-02. Review status: criteria provided, single submitter. Criteria: ACMG Guidelines, 2015. Collection method: clinical testing. Allele origin: germline.

Color Diagnostics, LLC DBA Color Health
Classification: Likely benign for Cardiomyopathy. Last evaluated: 2024-02-08. Review status: criteria provided, single submitter. Criteria: ACMG Guidelines, 2015. Collection method: clinical testing. Allele origin: germline.

Ambry Genetics
Classification: Uncertain significance for Cardiovascular phenotype. Last evaluated: 2022-05-25. Review status: criteria provided, single submitter. Criteria: Ambry Variant Classification Scheme 2023. Collection method: clinical testing. Allele origin: germline.

GeneDx
Classification: Likely benign. Last evaluated: 2020-09-10. Review status: criteria provided, single submitter. Criteria: GeneDx Variant Classification Process June 2021. Collection method: clinical testing. Allele origin: germline. Affected: yes.
Comment: In silico analysis, which includes protein predictors and evolutionary conservation, supports that this variant does not alter protein structure/function; This variant is associated with the following publications: (PMID: 26585738, 25196244, 25616645, 27532257, 27707468, no PMID, 25820315, 24503780, 30847666, 32516855)

Laboratory for Molecular Medicine, Mass General Brigham Personalized Medicine
Classification: Uncertain significance. Last evaluated: 2019-06-21. Review status: criteria provided, single submitter. Criteria: LMM Criteria. Collection method: clinical testing. Allele origin: germline. Observed: 7 variant alleles.
Comment: The p.Arg315Cys variant in DSP (ClinVar variation ID #24440) has been reported in 4 individuals with ARVC, two of whom carried an additional variant sufficient to explain their phenotype (1 in DSP and 1 in PKP2), and in 1 individual with left ventricular dilation (Bhonsale 2015, Ermakov 2014, Walsh 2017, LMM data). This variant was also identified in 3 individuals with childhood onset DCM from two families (LMM data). Two of these (from one family) also carried a pathogenic DSP loss of function variant and had a more severe course of disease than other family members who had only the loss of function variant, suggesting that the p.Arg315Cys variant may have added to disease severity. In addition, this variant has been reported in 2 individuals with Brugada syndrome, one of whom also carried a pathogenic variant in SCN5A (Zhang 2016, Zhao 2016). This variant has been identified in 0.08% (16/19928) of East Asian chromosomes by gnomAD, which is higher than the maximum expected allele frequency for a pathogenic variant causing autosomal dominant ARVC although it remains compatible with autosomal recessive inheritance, which has been described for DSP. Computational prediction tools and conservation analysis suggest that the Arg315Cys variant may impact the protein, though this information is not predictive enough to determine pathogenicity. In summary, the clinical significance of the Arg315Cys variant is uncertain. ACMG/AMP Criteria applied: PP3, PM3, BS1_Supporting.

Illumina Laboratory Services, Illumina
Classification: Uncertain significance for Arrhythmogenic right ventricular dysplasia 8. Last evaluated: 2018-01-13. Review status: criteria provided, single submitter. Criteria: ICSL Variant Classification Criteria 13 December 2019. Collection method: clinical testing. Allele origin: germline.

Illumina Laboratory Services, Illumina
Classification: Uncertain significance for Arrhythmogenic cardiomyopathy with wooly hair and keratoderma. Last evaluated: 2018-01-13. Review status: criteria provided, single submitter. Criteria: ICSL Variant Classification Criteria 13 December 2019. Collection method: clinical testing. Allele origin: germline.

Illumina Laboratory Services, Illumina
Classification: Uncertain significance for Lethal acantholytic epidermolysis bullosa. Last evaluated: 2018-01-13. Review status: criteria provided, single submitter. Criteria: ICSL Variant Classification Criteria 13 December 2019. Collection method: clinical testing. Allele origin: germline.

CHEO Genetics Diagnostic Laboratory, Children's Hospital of Eastern Ontario
Classification: Uncertain significance for Cardiomyopathy. Last evaluated: 2017-07-24. Review status: criteria provided, single submitter. Criteria: ACMG Guidelines, 2015. Collection method: clinical testing. Allele origin: germline. Study: Canadian Open Genetics Repository.

Stanford Center for Inherited Cardiovascular Disease, Stanford University
Classification: Uncertain significance. Review status: criteria provided, single submitter. Criteria: ACMG Guidelines, 2015. Collection method: provider interpretation. Allele origin: germline.

Literature cited by the submitters: PubMed 24503780 (cited by Women's Health and Genetics/Laboratory Corporation of America, LabCorp and Laboratory for Molecular Medicine, Mass General Brigham Personalized Medicine); PubMed 27532257 (cited by Women's Health and Genetics/Laboratory Corporation of America, LabCorp and Laboratory for Molecular Medicine, Mass General Brigham Personalized Medicine); PubMed 27707468 (cited by Women's Health and Genetics/Laboratory Corporation of America, LabCorp and Laboratory for Molecular Medicine, Mass General Brigham Personalized Medicine); PubMed 26585738 (cited by Women's Health and Genetics/Laboratory Corporation of America, LabCorp and Laboratory for Molecular Medicine, Mass General Brigham Personalized Medicine); PubMed 25820315 (cited by Women's Health and Genetics/Laboratory Corporation of America, LabCorp); PubMed 28301460 (cited by Women's Health and Genetics/Laboratory Corporation of America, LabCorp); PubMed 25616645 (cited by Women's Health and Genetics/Laboratory Corporation of America, LabCorp and Laboratory for Molecular Medicine, Mass General Brigham Personalized Medicine); PubMed 29750433 (cited by Women's Health and Genetics/Laboratory Corporation of America, LabCorp); PubMed 29759408 (cited by Women's Health and Genetics/Laboratory Corporation of America, LabCorp); PubMed 25196244 (cited by Laboratory for Molecular Medicine, Mass General Brigham Personalized Medicine).

NM_004415.4(DSP):c.943C>T (p.Arg315Cys)

Gene: DSP (desmoplakin; plus strand). Cytogenetic location: 6p24.3.
Variant type: single nucleotide variant.
Coding change: c.943C>T on transcript NM_004415.4 (MANE Select); coding-DNA position 943, C replaced by T.
Protein change: p.Arg315Cys; replaces arginine 315 with cysteine.
Molecular consequence: missense variant.
Genome position (GRCh38, 1-based): chr6:7,566,380, C>T. VCF-style: chr6-7566380-C-T. GRCh37 (hg19) VCF-style: chr6-7566613-C-T.
Other names: p.R315C:CGC>TGC; c.943C>T, p.Arg315Cys (NM_001008844.3, NM_001319034.2); short protein forms R315C.
Identifiers: ClinVar variation 44982 (VCV000044982.58), dbSNP rs200476515, ClinGen allele CA007889.